The following is an entry in ClinVar:

ClinVar aggregate classification (germline): Uncertain significance. Review status: criteria provided, multiple submitters, no conflicts (2 of 4 stars). 7 submissions from 7 submitters: Uncertain significance (5). 2 of the submissions do not count toward it. Last evaluated 2025-07-30.

Conditions:
NBN-related disorder. Also called: NBN-related condition.
Hereditary cancer-predisposing syndrome. Also called: Neoplastic Syndromes, Hereditary; Hereditary neoplastic syndrome; Tumor predisposition; Hereditary Cancer Syndrome. Identifiers: Orphanet 140162, MedGen C0027672, MeSH D009386, MONDO:0015356.
Microcephaly, normal intelligence and immunodeficiency (NBS). Also called: Immunodeficiency, microcephaly with normal intelligence; Ataxia telangiectasia variant V1; IMMUNODEFICIENCY, MICROCEPHALY, AND CHROMOSOMAL INSTABILITY; BERLIN BREAKAGE SYNDROME; SEEMANOVA SYNDROME II; Nijmegen breakage syndrome. Identifiers: Orphanet 647, MedGen C0398791, MONDO:0009623, OMIM 251260.

Submissions (7):

Labcorp Genetics (formerly Invitae), Labcorp
Classification: Uncertain significance for Microcephaly, normal intelligence and immunodeficiency. Last evaluated: 2025-07-30. Review status: criteria provided, single submitter. Criteria: Invitae Variant Classification Sherloc (09022015). Collection method: clinical testing. Allele origin: germline.
Comment: This variant, c.1008_1010del, results in the deletion of 1 amino acid(s) of the NBN protein (p.Thr337del), but otherwise preserves the integrity of the reading frame. This variant is present in population databases (rs770500095, gnomAD 0.006%). This variant has been observed in individual(s) with ovary cancer (PMID: 34326862). Experimental studies and prediction algorithms are not available or were not evaluated, and the functional significance of this variant is currently unknown. In summary, the available evidence is currently insufficient to determine the role of this variant in disease. Therefore, it has been classified as a Variant of Uncertain Significance.

GeneDx
Classification: Uncertain significance. Last evaluated: 2024-08-30. Review status: criteria provided, single submitter. Criteria: GeneDx Variant Classification Process June 2021. Collection method: clinical testing. Allele origin: germline. Affected: yes.
Comment: In-frame deletion of 1 amino acid in a non-repeat region; In silico analysis supports a deleterious effect on protein structure/function; Observed in an individual with ovarian cancer (PMID: 34326862); This variant is associated with the following publications: (PMID: 34326862)

Quest Diagnostics Nichols Institute San Juan Capistrano
Classification: Uncertain significance. Last evaluated: 2024-07-30. Review status: criteria provided, single submitter. Criteria: Quest Diagnostics criteria. Collection method: clinical testing. Allele origin: unknown.
Comment: The NBN c.1008_1010del (p.Thr337del) variant has been reported in the published literature in an individual with ovarian cancer (PMID: 34326862 (2021)). The frequency of this variant in the general population, 0.000062 (7/113682 chromosomes (Genome Aggregation Database)), is uninformative in the assessment of its pathogenicity. Based on the available information, we are unable to determine the clinical significance of this variant.

PreventionGenetics, part of Exact Sciences
Classification: Uncertain significance for NBN-related condition. Last evaluated: 2022-11-28. Review status: criteria provided, single submitter. Criteria: ACMG Guidelines, 2015. Collection method: clinical testing. Allele origin: germline.
Comment: The NBN c.1008_1010delAAC variant is predicted to result in an in-frame deletion (p.Thr337del). To our knowledge, this variant has not been reported in the literature. This variant is reported in 0.0062% of alleles in individuals of European (Non-Finnish) descent in gnomAD and has been interpreted as a variant of uncertain significance by multiple submitters to ClinVar. At this time, the clinical significance of this variant is uncertain due to the absence of conclusive functional and genetic evidence.

Ambry Genetics
Classification: Uncertain significance for Hereditary cancer-predisposing syndrome. Last evaluated: 2020-12-16. Review status: criteria provided, single submitter. Criteria: Ambry Variant Classification Scheme 2023. Collection method: clinical testing. Allele origin: germline.
Comment: The c.1008_1010delAAC variant (also known as p.T337del) is located in coding exon 9 of the NBN gene. This variant results from an in-frame AAC deletion at nucleotide positions 1008 to 1010. This results in the in-frame deletion of a threonine at codon 337. The deleted amino acid position is well conserved in available vertebrate species. In addition, the in silico prediction for this alteration is inconclusive (Choi Y et al. PLoS ONE. 2012; 7(10):e46688). Since supporting evidence is limited at this time, the clinical significance of this alteration remains unclear.

Natera, Inc.
Classification: Uncertain significance for Nijmegen breakage syndrome. Last evaluated: 2020-04-14. Review status: no assertion criteria provided. Collection method: clinical testing. Allele origin: germline. Not counted in ClinVar's aggregate classification.

Counsyl
Classification: Uncertain significance for Microcephaly, normal intelligence and immunodeficiency. Last evaluated: 2017-04-10. Review status: no assertion criteria provided. Collection method: clinical testing. Allele origin: unknown. Not counted in ClinVar's aggregate classification.

Literature cited by the submitters: PubMed 34326862 (cited by Labcorp Genetics (formerly Invitae), Labcorp and Quest Diagnostics Nichols Institute San Juan Capistrano).

NM_002485.5(NBN):c.1005AAC[1] (p.Thr337del)

Gene: NBN (nibrin; minus strand). Cytogenetic location: 8q21.3.
Variant type: Microsatellite.
Coding change: c.1005AAC[1] on transcript NM_002485.5 (MANE Select); one copy of the 3-base unit AAC starting at c.1005; the reference has two copies in a row; one copy, 3 bases deleted.
Protein change: p.Thr337del; deletes threonine 337.
Molecular consequence: inframe deletion.
Genome position (GRCh38, 1-based): chr8:89,958,839-89,958,841, GTT deleted on the plus strand (AAC on the coding strand, the reverse complement: NBN is on the minus strand); deleting any 3 consecutive bases within chr8:89,958,839-89,958,846 gives the same sequence; the position shown is the placement nearest the transcript's 3' end. VCF-style (leftmost placement, unchanged base first): chr8-89958838-AGTT-A. GRCh37 (hg19) VCF-style: chr8-90971066-AGTT-A.
Other names: c.1008_1010delAAC (NM_002485.4); c.759AAC[1], p.Thr255del (NM_001024688.3); short protein forms T337del, T255del.
Identifiers: ClinVar variation 530744 (VCV000530744.25), dbSNP rs770500095, ClinGen allele CA4802816.